The following is an entry in ClinVar:

NM_001048174.2(MUTYH):c.541C>G (p.Gln181Glu)

Gene: MUTYH (mutY DNA glycosylase; minus strand). Cytogenetic location: 1p34.1.
Variant type: single nucleotide variant.
Coding change: c.541C>G on transcript NM_001048174.2 (MANE Select); coding-DNA position 541, C replaced by G.
Protein change: p.Gln181Glu; replaces glutamine 181 with glutamic acid.
Molecular consequence: missense variant. On other transcripts: non-coding transcript variant (7).
Genome position (GRCh38, 1-based): chr1:45,332,639, G>C on the plus strand (C>G on the coding strand, the complement: MUTYH is on the minus strand). VCF-style: chr1-45332639-G-C. GRCh37 (hg19) VCF-style: chr1-45798311-G-C.
Other names: c.574C>G, p.Gln192Glu (NM_001407077.1, NM_001407069.1, NM_001293191.2); c.544C>G, p.Gln182Glu (NM_001407078.1, NM_001407086.1, NM_001407071.1 and 1 more transcripts); c.502C>G, p.Gln168Glu (NM_001407079.1); c.499C>G, p.Gln167Glu (NM_001407080.1); c.541C>G, p.Gln181Glu (NM_001407081.1, NM_001407070.1, NM_001407072.1 and 6 more transcripts); c.196C>G, p.Gln66Glu (NM_001407082.1, NM_001350650.2, NM_001350651.2); c.583C>G, p.Gln195Glu (NM_001407083.1, NM_001407085.1); c.562C>G, p.Gln188Glu (NM_001407087.1); and 5 more; short protein forms Q153E, Q167E, Q168E, Q188E, Q209E, Q89E, Q182E, Q195E.
Identifiers: ClinVar variation 4113769 (VCV004113769.1).

ClinVar aggregate classification (germline): Uncertain significance (1 of 4 stars; one submission).

Conditions:
Hereditary cancer-predisposing syndrome. Also called: Hereditary neoplastic syndrome; Neoplastic Syndromes, Hereditary; Tumor predisposition; Hereditary Cancer Syndrome. Identifiers: Orphanet 140162, MedGen C0027672, MeSH D009386, MONDO:0015356.

Submission:

Ambry Genetics
Classification: Uncertain significance for Hereditary cancer-predisposing syndrome. Last evaluated: 2025-08-27. Review status: criteria provided, single submitter. Criteria: Ambry Variant Classification Scheme 2023. Collection method: clinical testing. Allele origin: germline.
Comment: The p.Q209E variant (also known as c.625C>G), located in coding exon 8 of the MUTYH gene, results from a C to G substitution at nucleotide position 625. The glutamine at codon 209 is replaced by glutamic acid, an amino acid with highly similar properties. This amino acid position is conserved. In addition, the in silico prediction for this alteration is inconclusive. Based on the available evidence, the clinical significance of this variant remains unclear.